The following is an entry in ClinVar:

ClinVar aggregate classification (germline): Uncertain significance (1 of 4 stars; one submission).

Conditions:
Arrhythmogenic right ventricular dysplasia 11. Also called: ARRHYTHMOGENIC RIGHT VENTRICULAR DYSPLASIA, FAMILIAL, 11; Arrhythmogenic Right Ventricular Dysplasia/Cardiomyopathy11; Arrhythmogenic right ventricular dysplasia 11 with mild palmoplantar keratoderma and woolly hair. Identifiers: MedGen C1864850, MONDO:0012506, OMIM 610476.

Submission:

Labcorp Genetics (formerly Invitae), Labcorp
Classification: Uncertain significance for Arrhythmogenic right ventricular dysplasia 11. Last evaluated: 2023-06-19. Review status: criteria provided, single submitter. Criteria: Invitae Variant Classification Sherloc (09022015). Collection method: clinical testing. Allele origin: germline.
Comment: This sequence change replaces alanine, which is neutral and non-polar, with glutamic acid, which is acidic and polar, at codon 699 of the DSC2 protein (p.Ala699Glu). This variant is not present in population databases (gnomAD no frequency). This variant has not been reported in the literature in individuals affected with DSC2-related conditions. Advanced modeling of protein sequence and biophysical properties (such as structural, functional, and spatial information, amino acid conservation, physicochemical variation, residue mobility, and thermodynamic stability) performed at Invitae indicates that this missense variant is expected to disrupt DSC2 protein function. In summary, the available evidence is currently insufficient to determine the role of this variant in disease. Therefore, it has been classified as a Variant of Uncertain Significance.

NM_024422.6(DSC2):c.2096C>A (p.Ala699Glu)

Gene: DSC2 (desmocollin 2; minus strand). Cytogenetic location: 18q12.1.
Variant type: single nucleotide variant.
Coding change: c.2096C>A on transcript NM_024422.6 (MANE Select); coding-DNA position 2096, C replaced by A.
Protein change: p.Ala699Glu; replaces alanine 699 with glutamic acid.
Molecular consequence: missense variant.
Genome position (GRCh38, 1-based): chr18:31,071,634, G>T on the plus strand (C>A on the coding strand, the complement: DSC2 is on the minus strand). VCF-style: chr18-31071634-G-T. GRCh37 (hg19) VCF-style: chr18-28651600-G-T.
Other names: c.1667C>A, p.Ala556Glu (NM_001406506.1, NM_001406507.1); c.2096C>A, p.Ala699Glu (NM_004949.5); short protein forms A699E, A556E.
Identifiers: ClinVar variation 2917390 (VCV002917390.3), dbSNP rs2144790608, ClinGen allele CA402112796.
Genomic context (GRCh38, chr18:31,071,634, plus strand): 5'-ATTTGAATTCAAGAAAGGACTTAAGACTTACAAAAGAGCAATGCTATGCCCAACAATATT[G>T]CAAGGATGGCCCACTTTCCAAGTTGTACTCCTCCACCGCCAATCCTTGGATCTACACGAT-3'
Protein context (NP_077740.1, residues 689-709): GVQLGKWAIL[Ala699Glu]ILLGIALLFC